The following is an entry in ClinVar:

ClinVar aggregate classification (germline): Uncertain significance. Review status: criteria provided, multiple submitters, no conflicts (2 of 4 stars). 2 submissions from 2 submitters: Uncertain significance (2). Last evaluated 2025-08-13.

Conditions:
Inborn genetic diseases. Identifiers: MedGen C0950123, MeSH D030342.

Allele frequency attached by ClinVar (database versions not stated): TOPMed 0.00001.
gnomAD v4.1: 17 of 1,540,538 alleles (0.0011%); highest among the groups gnomAD compares: Middle Eastern, 0.086%; no homozygotes.

Submissions (2):

Ambry Genetics
Classification: Uncertain significance for Inborn genetic diseases. Last evaluated: 2025-08-13. Review status: criteria provided, single submitter. Criteria: Ambry Variant Classification Scheme 2023. Collection method: clinical testing. Allele origin: germline.

Labcorp Genetics (formerly Invitae), Labcorp
Classification: Uncertain significance. Last evaluated: 2022-08-23. Review status: criteria provided, single submitter. Criteria: Invitae Variant Classification Sherloc (09022015). Collection method: clinical testing. Allele origin: germline.
Comment: In summary, the available evidence is currently insufficient to determine the role of this variant in disease. Therefore, it has been classified as a Variant of Uncertain Significance. Algorithms developed to predict the effect of missense changes on protein structure and function (SIFT, PolyPhen-2, Align-GVGD) all suggest that this variant is likely to be tolerated. This variant has not been reported in the literature in individuals affected with LETM1-related conditions. This variant is present in population databases (rs373392375, gnomAD 0.007%). This sequence change replaces arginine, which is basic and polar, with serine, which is neutral and polar, at codon 506 of the LETM1 protein (p.Arg506Ser).

NM_012318.3(LETM1):c.1518G>T (p.Arg506Ser)

Gene: LETM1 (leucine zipper and EF-hand containing transmembrane protein 1; minus strand). Cytogenetic location: 4p16.3.
Variant type: single nucleotide variant.
Coding change: c.1518G>T on transcript NM_012318.3 (MANE Select); coding-DNA position 1518, G replaced by T.
Protein change: p.Arg506Ser; replaces arginine 506 with serine.
Molecular consequence: missense variant.
Genome position (GRCh38, 1-based): chr4:1,822,271, C>A on the plus strand (G>T on the coding strand, the complement: LETM1 is on the minus strand). VCF-style: chr4-1822271-C-A. GRCh37 (hg19) VCF-style: chr4-1823998-C-A.
Other names: c.1518G>T (NM_012318.2); short protein forms R506S.
Identifiers: ClinVar variation 2142245 (VCV002142245.5), dbSNP rs373392375, ClinGen allele CA2811234.